The following is an entry in ClinVar:

NM_000264.5(PTCH1):c.1907A>G (p.Asn636Ser)

Genes: PTCH1 (patched 1; minus strand), LOC100507346 (uncharacterized LOC100507346; plus strand). Cytogenetic location: 9q22.32.
Variant type: single nucleotide variant.
Coding change: c.1907A>G on transcript NM_000264.5 (MANE Select); coding-DNA position 1907, A replaced by G.
Protein change: p.Asn636Ser; replaces asparagine 636 with serine.
Molecular consequence: missense variant. On other transcripts: non-coding transcript variant (2).
Genome position (GRCh38, 1-based): chr9:95,469,094, T>C on the plus strand (A>G on the coding strand, the complement: PTCH1 is on the minus strand). VCF-style: chr9-95469094-T-C. GRCh37 (hg19) VCF-style: chr9-98231376-T-C.
Other names: c.1709A>G, p.Asn570Ser (NM_001083602.3); c.1904A>G, p.Asn635Ser (NM_001083603.3); c.1454A>G, p.Asn485Ser (NM_001083604.3, NM_001083605.3, NM_001083606.3 and 1 more transcripts); c.1751A>G, p.Asn584Ser (NM_001354918.2); short protein forms N570S, N485S, N636S, N584S, N635S.
Identifiers: ClinVar variation 820286 (VCV000820286.8), dbSNP rs1588575591, ClinGen allele CA374116072.
Genomic context (GRCh38, chr9:95,469,094, plus strand): 5'-ATCTGCGTTTCATGGGCAAAGCTGTGGCTGCTGTAGGGAGGTGGGGGGCTGTAGCGGGTA[T>C]TGTCGTGTGTGTCGGTGTAGGCCTGAGGTTCAACCTGAATCACTCTGCTGACGCAGGGGC-3'
Protein context (NP_000255.2, residues 626-646): EPQAYTDTHD[Asn636Ser]TRYSPPPPYS

ClinVar aggregate classification (germline): Uncertain significance. Review status: criteria provided, multiple submitters, no conflicts (2 of 4 stars). 2 submissions from 2 submitters: Uncertain significance (2). Last evaluated 2025-12-02.

Conditions:
Hereditary cancer-predisposing syndrome. Also called: Hereditary Cancer Syndrome; Neoplastic Syndromes, Hereditary; Hereditary neoplastic syndrome; Tumor predisposition. Identifiers: Orphanet 140162, MedGen C0027672, MeSH D009386, MONDO:0015356.
Gorlin syndrome. Also called: Nevoid Basal Cell Carcinoma Syndrome; Basal cell nevus syndrome. Identifiers: Orphanet 377, MedGen C0004779, MONDO:0007187.

Allele frequency attached by ClinVar (database versions not stated): gnomAD exomes below 0.00001.
gnomAD v4.1: 2 of 1,613,954 alleles (0.00012%); highest among the groups gnomAD compares: South Asian, 0.0011%; no homozygotes.

Submissions (2):

Labcorp Genetics (formerly Invitae), Labcorp
Classification: Uncertain significance for Gorlin syndrome. Last evaluated: 2025-12-02. Review status: criteria provided, single submitter. Criteria: Invitae Variant Classification Sherloc (09022015). Collection method: clinical testing. Allele origin: germline.
Comment: This sequence change replaces asparagine, which is neutral and polar, with serine, which is neutral and polar, at codon 636 of the PTCH1 protein (p.Asn636Ser). This variant is not present in population databases (gnomAD no frequency). This variant has not been reported in the literature in individuals affected with PTCH1-related conditions. ClinVar contains an entry for this variant (Variation ID: 820286). Invitae Evidence Modeling of protein sequence and biophysical properties (such as structural, functional, and spatial information, amino acid conservation, physicochemical variation, residue mobility, and thermodynamic stability) indicates that this missense variant is not expected to disrupt PTCH1 protein function with a negative predictive value of 95%. In summary, the available evidence is currently insufficient to determine the role of this variant in disease. Therefore, it has been classified as a Variant of Uncertain Significance.

Ambry Genetics
Classification: Uncertain significance for Hereditary cancer-predisposing syndrome. Last evaluated: 2024-07-13. Review status: criteria provided, single submitter. Criteria: Ambry Variant Classification Scheme 2023. Collection method: clinical testing. Allele origin: germline.
Comment: The p.N636S variant (also known as c.1907A>G), located in coding exon 14 of the PTCH1 gene, results from an A to G substitution at nucleotide position 1907. The asparagine at codon 636 is replaced by serine, an amino acid with highly similar properties. This amino acid position is not well conserved in available vertebrate species. In addition, this alteration is predicted to be tolerated by in silico analysis. Since supporting evidence is limited at this time, the clinical significance of this alteration remains unclear.